The following is an entry in ClinVar:

NM_173660.5(DOK7):c.654C>A (p.Asp218Glu)

Gene: DOK7 (docking protein 7; plus strand). Cytogenetic location: 4p16.3.
Variant type: single nucleotide variant.
Coding change: c.654C>A on transcript NM_173660.5 (MANE Select); coding-DNA position 654, C replaced by A.
Protein change: p.Asp218Glu; replaces aspartic acid 218 with glutamic acid.
Molecular consequence: missense variant. On other transcripts: 5 prime UTR variant (1).
Genome position (GRCh38, 1-based): chr4:3,489,678, C>A. VCF-style: chr4-3489678-C-A. GRCh37 (hg19) VCF-style: chr4-3491405-C-A.
Other names: c.643C>A, p.Pro215Thr (NM_001164673.2); c.-277C>A (NM_001256896.2); c.654C>A, p.Asp218Glu (NM_001301071.2); c.222C>A, p.Asp74Glu (NM_001363811.2); short protein forms D74E, D218E, P215T.
Identifiers: ClinVar variation 1379562 (VCV001379562.8), dbSNP rs1728055459, ClinGen allele CA356115243.
Genomic context (GRCh38, chr4:3,489,678, plus strand): 5'-TGCGGGCGAGGGTGGGCGGTGGTGGCCACCTCCTCCACCGAGTCTTCTCTCTGCCACAGA[C>A]CCAAGTCCCCCGGGACCCTCGACTGTGGAGGAGCGTGTGGCCCAGGAAGCCCTGGAAACC-3'
Protein context (NP_775931.3, residues 208-228): GPFGLRPVLP[Asp218Glu]PSPPGPSTVE

ClinVar aggregate classification (germline): Uncertain significance (1 of 4 stars; one submission).

Conditions:
Congenital myasthenic syndrome 10. Also called: Myasthenia, limb-girdle, familial. Identifiers: Orphanet 590, MedGen C1850792, MONDO:0009690, OMIM 254300.
Fetal akinesia deformation sequence 1 (FADS1). Also called: Fetal akinesia sequence; Pena-Shokeir syndrome type I. Identifiers: Orphanet 994, MedGen C1276035, MONDO:0100101, OMIM 208150, HP:0001989.

Submission:

Labcorp Genetics (formerly Invitae), Labcorp
Classification: Uncertain significance for Congenital myasthenic syndrome 10; Fetal akinesia deformation sequence 1. Last evaluated: 2026-01-19. Review status: criteria provided, single submitter. Criteria: Invitae Variant Classification Sherloc (09022015). Collection method: clinical testing. Allele origin: germline.
Comment: This sequence change replaces aspartic acid, which is acidic and polar, with glutamic acid, which is acidic and polar, at codon 218 of the DOK7 protein (p.Asp218Glu). This variant is not present in population databases (gnomAD no frequency). This variant has not been reported in the literature in individuals affected with DOK7-related conditions. ClinVar contains an entry for this variant (Variation ID: 1379562). An algorithm developed to predict the effect of missense changes on protein structure and function (PolyPhen-2) suggests that this variant is likely to be disruptive. In summary, the available evidence is currently insufficient to determine the role of this variant in disease. Therefore, it has been classified as a Variant of Uncertain Significance.